The following is an entry in ClinVar:

NM_005956.4(MTHFD1):c.1884+30T>C

Gene: MTHFD1 (methylenetetrahydrofolate dehydrogenase, cyclohydrolase and formyltetrahydrofolate synthetase 1; plus strand). Cytogenetic location: 14q23.3.
Variant type: single nucleotide variant.
Coding change: c.1884+30T>C on transcript NM_005956.4 (MANE Select); 30 bases into the intron after coding-DNA position 1884, T replaced by C.
Molecular consequence: intron variant.
Genome position (GRCh38, 1-based): chr14:64,441,483, T>C. VCF-style: chr14-64441483-T-C. GRCh37 (hg19) VCF-style: chr14-64908201-T-C.
Other names: c.1884+30T>C (NM_001364837.1).
Identifiers: ClinVar variation 3770513 (VCV003770513.13).

ClinVar aggregate classification (germline): Likely benign (1 of 4 stars; one submission).

gnomAD v4.1: 9,488 of 1,610,432 alleles (0.59%); highest among the groups gnomAD compares: Non-Finnish European, 0.7%; 38 homozygotes.

Submission:

CeGaT Center for Human Genetics Tuebingen
Classification: Likely benign. Last evaluated: 2025-06-01. Review status: criteria provided, single submitter. Criteria: CeGaT Center For Human Genetics Tuebingen Variant Classification Criteria Version 2. Collection method: clinical testing. Allele origin: germline. Affected: yes. Observed: 2 variant alleles.
Comment: ENSG00000272909: BS2